The following is an entry in ClinVar:

NM_003263.4(TLR1):c.743A>G (p.Asn248Ser)

Gene: TLR1 (toll like receptor 1; minus strand). Cytogenetic location: 4p14.
Variant type: single nucleotide variant.
Coding change: c.743A>G on transcript NM_003263.4 (MANE Select); coding-DNA position 743, A replaced by G.
Protein change: p.Asn248Ser; replaces asparagine 248 with serine.
Molecular consequence: missense variant.
Genome position (GRCh38, 1-based): chr4:38,798,089, T>C on the plus strand (A>G on the coding strand, the complement: TLR1 is on the minus strand). VCF-style: chr4-38798089-T-C. GRCh37 (hg19) VCF-style: chr4-38799710-T-C.
Other names: c.743A>G (NM_003263.3); short protein forms N248S.
Identifiers: ClinVar variation 8361 (VCV000008361.4), dbSNP rs4833095, ClinGen allele CA119553.
Genomic context (GRCh38, chr4:38,798,089, plus strand): 5'-ACCAGCTGGAGGATCCTAATGAAAGAATTCCAAGTTGTTTCAATGTTGTTTAAGGTAAGA[T>C]TTGATAACTTTGGATTTGTTTGAAGTTTCGCCAGAATACTTAGGAAGTAAGAACATTTGT-3'
Protein context (NP_003254.2, residues 238-258): AKLQTNPKLS[Asn248Ser]LTLNNIETTW

ClinVar aggregate classification (germline): Benign; risk factor. Review status: no assertion criteria provided (0 of 4 stars). 2 submissions from 2 submitters: Benign (1). Last evaluated 2019-10-18.

Conditions:
Leprosy, susceptibility to, 5. Identifiers: Orphanet 548, MedGen C2750733, MONDO:0013185, OMIM 613223.
TLR1-related disorder. Also called: TLR1-related condition.

Allele frequency attached by ClinVar (database versions not stated): TOPMed 0.48005; 1000 Genomes Project 0.57468; gnomAD exomes 0.38111; ExAC 0.39214; ESP Exome Variant Server 0.42795; gnomAD 0.43490 and 0.43632; 1000 Genomes Project 30x 0.57808.

Submissions (2):

PreventionGenetics, part of Exact Sciences
Classification: Benign for TLR1-related condition. Last evaluated: 2019-10-18. Review status: no assertion criteria provided. Collection method: clinical testing. Allele origin: germline.
Comment: This variant is classified as benign based on ACMG/AMP sequence variant interpretation guidelines (Richards et al. 2015 PMID: 25741868, with internal and published modifications).

OMIM
Classification: risk factor for LEPROSY, SUSCEPTIBILITY TO, 5. Last evaluated: 2009-06-15. Review status: no assertion criteria provided. Collection method: literature only. Allele origin: germline.

Literature cited by the submitters: PubMed 19456232 (cited by OMIM); PubMed 17475868 (cited by OMIM).